The following is an entry in ClinVar:

ClinVar aggregate classification (germline): Likely benign (1 of 4 stars; one submission).

Conditions:
MFHAS1-related disorder. Also called: MFHAS1-related condition.

gnomAD v4.1: 7 of 1,588,298 alleles (0.00044%); highest among the groups gnomAD compares: Non-Finnish European, 0.0006%; no homozygotes.

Submission:

PreventionGenetics, part of Exact Sciences
Classification: Likely benign for MFHAS1-related condition. Last evaluated: 2026-09-13. Review status: criteria provided, single submitter. Criteria: ACMG Guidelines, 2015. Collection method: clinical testing. Allele origin: germline.
Comment: This variant is classified as likely benign based on ACMG/AMP sequence variant interpretation guidelines (Richards et al. 2015 PMID: 25741868, with internal and published modifications).

NM_004225.3(MFHAS1):c.2997A>G (p.Pro999=)

Gene: MFHAS1 (multifunctional ROCO family signaling regulator 1). Cytogenetic location: 8p23.1.
Variant type: single nucleotide variant.
Coding change: c.2997A>G on transcript NM_004225.3 (MANE Select); coding-DNA position 2997, A replaced by G.
Protein change: p.Pro999=; no amino-acid change (proline 999 retained).
Molecular consequence: synonymous variant.
Genome position (GRCh38, 1-based): chr8:8,890,062, T>C on the plus strand (A>G on the coding strand, the complement: MFHAS1 is on the minus strand). VCF-style: chr8-8890062-T-C. GRCh37 (hg19) VCF-style: chr8-8747572-T-C.
Identifiers: ClinVar variation 4988501 (VCV004988501.1).